The following is an entry in ClinVar:

ClinVar aggregate classification (germline): Likely benign (1 of 4 stars; one submission).

Conditions:
Joubert syndrome 15 (JBTS15). Identifiers: Orphanet 475, MedGen C3280897, MONDO:0013763, OMIM 614464.

Allele frequency attached by ClinVar (database versions not stated): ExAC 0.00028; gnomAD exomes 0.00043 and 0.00088; gnomAD 0.00151 and 0.00159; TOPMed 0.00152; 1000 Genomes Project 0.00240; 1000 Genomes Project 30x 0.00250.

Submission:

Illumina Laboratory Services, Illumina
Classification: Likely benign for Joubert syndrome 15. Last evaluated: 2018-01-13. Review status: criteria provided, single submitter. Criteria: ICSL Variant Classification Criteria 13 December 2019. Collection method: clinical testing. Allele origin: germline.
Comment: This variant was observed in the ICSL laboratory as part of a predisposition screen in an ostensibly healthy population. It had not been previously curated by ICSL or reported in the Human Gene Mutation Database (HGMD: prior to June 1st, 2018), and was therefore a candidate for classification through an automated scoring system. Utilizing variant allele frequency, disease prevalence and penetrance estimates, and inheritance mode, an automated score was calculated to assess if this variant is too frequent to cause the disease. Based on the score and internal cut-off values, a variant classified as likely benign is not then subjected to further curation. The score for this variant resulted in a classification of likely benign for this disease.

NM_018718.3(CEP41):c.*4594C>T

Gene: CEP41 (centrosomal protein 41; minus strand). Cytogenetic location: 7q32.2.
Variant type: single nucleotide variant.
Coding change: c.*4594C>T on transcript NM_018718.3 (MANE Select); 4594 bases downstream of the stop codon, C replaced by T.
Molecular consequence: 3 prime UTR variant. On other transcripts: non-coding transcript variant (1).
Genome position (GRCh38, 1-based): chr7:130,394,297, G>A on the plus strand (C>T on the coding strand, the complement: CEP41 is on the minus strand). VCF-style: chr7-130394297-G-A. GRCh37 (hg19) VCF-style: chr7-130034138-G-A.
Other names: c.*4594C>T (NM_001257158.2, NM_001257159.2).
Identifiers: ClinVar variation 912136 (VCV000912136.4), dbSNP rs151309255, ClinGen allele CA4485127.